The following is an entry in ClinVar:

NM_004006.3(DMD):c.2425A>T (p.Asn809Tyr)

Gene: DMD (dystrophin; minus strand). Cytogenetic location: Xp21.1.
Variant type: single nucleotide variant.
Coding change: c.2425A>T on transcript NM_004006.3 (MANE Select); coding-DNA position 2425, A replaced by T.
Protein change: p.Asn809Tyr; replaces asparagine 809 with tyrosine.
Molecular consequence: missense variant.
Genome position (GRCh38, 1-based): chrX:32,491,474, T>A on the plus strand (A>T on the coding strand, the complement: DMD is on the minus strand). VCF-style: chrX-32491474-T-A. GRCh37 (hg19) VCF-style: chrX-32509591-T-A.
Other names: c.2401A>T, p.Asn801Tyr (NM_000109.4); c.2413A>T, p.Asn805Tyr (NM_004009.3); c.2056A>T, p.Asn686Tyr (NM_004010.3); short protein forms N801Y, N809Y, N686Y, N805Y.
Identifiers: ClinVar variation 3634851 (VCV003634851.2).

ClinVar aggregate classification (germline): Uncertain significance (1 of 4 stars; one submission).

Conditions:
Duchenne muscular dystrophy (DMD). Also called: MUSCULAR DYSTROPHY, PSEUDOHYPERTROPHIC PROGRESSIVE, DUCHENNE TYPE; Duchenne Muscular Dystrophy (DMD). Identifiers: Orphanet 98896, MedGen C0013264, MONDO:0010679, OMIM 310200.

Submission:

Labcorp Genetics (formerly Invitae), Labcorp
Classification: Uncertain significance for Duchenne muscular dystrophy. Last evaluated: 2024-08-31. Review status: criteria provided, single submitter. Criteria: Invitae Variant Classification Sherloc (09022015). Collection method: clinical testing. Allele origin: germline.
Comment: This sequence change replaces asparagine, which is neutral and polar, with tyrosine, which is neutral and polar, at codon 809 of the DMD protein (p.Asn809Tyr). This variant is not present in population databases (gnomAD no frequency). This variant has not been reported in the literature in individuals affected with DMD-related conditions. Invitae Evidence Modeling of protein sequence and biophysical properties (such as structural, functional, and spatial information, amino acid conservation, physicochemical variation, residue mobility, and thermodynamic stability) indicates that this missense variant is not expected to disrupt DMD protein function with a negative predictive value of 95%. In summary, the available evidence is currently insufficient to determine the role of this variant in disease. Therefore, it has been classified as a Variant of Uncertain Significance.